The following is an entry in ClinVar:

ClinVar aggregate classification (germline): Pathogenic/Likely pathogenic. Review status: criteria provided, multiple submitters, no conflicts (2 of 4 stars). 3 submissions from 3 submitters: Pathogenic (1); Likely pathogenic (2). Last evaluated 2023-01-25.

Conditions:
Maturity-onset diabetes of the young (MODY). Also called: Maturity onset diabetes mellitus in young. Identifiers: Orphanet 552, MedGen C0342276, MONDO:0018911, HP:0004904.
Renal cysts and diabetes syndrome (RCAD). Also called: Familial hypoplastic, glomerulocystic kidney; MATURITY-ONSET DIABETES OF THE YOUNG, TYPE 5. Identifiers: Orphanet 93111, MedGen C0431693, MONDO:0007669, OMIM 137920.
HNF1B-related disorder. Also called: HNF1B-related disorders; HNF1B-related condition.

Submissions (3):

Broad Center for Mendelian Genomics, Broad Institute of MIT and Harvard
Classification: Pathogenic for Renal cysts and diabetes syndrome. Last evaluated: 2023-01-25. Review status: criteria provided, single submitter. Criteria: ACMG Guidelines, 2015. Collection method: curation. Allele origin: germline. Inheritance: Autosomal dominant inheritance.
Comment: Trio exome analysis showed this variant to be de novo. The p.His420ProfsTer7 variant in HNF1B has not been previously reported in individuals with HNF1B-associated kidney disease. This variant has also been reported in ClinVar and has been interpreted as likely pathogenic by the Clinical Genomics, Uppaluri K&H Personalized Medicine Clinic. This variant was absent from large population studies. This variant is predicted to cause a frameshift, which alters the protein‚Äôs amino acid sequence beginning at position 420 and leads to a premature termination codon 7 amino acids downstream. This alteration is then predicted to lead to a truncated or absent protein. Heterozygous loss of function of the HNF1B gene is an established disease mechanism in autosomal dominant HNF1B-associated kidney disease. In summary, this variant meets criteria to be classified as pathogenic for HNF1B-associated kidney disease. ACMG/AMP Criteria applied: PVS1, PS2_Supporting, PM2_Supporting (Richards 2015).

Blueprint Genetics
Classification: Likely pathogenic for HNF1B-related disorders. Last evaluated: 2020-01-10. Review status: criteria provided, single submitter. Criteria: ACMG Guidelines, 2015. Collection method: clinical testing. Allele origin: germline. Affected: yes. Observed: 1 variant allele.

Clinical Genomics, Uppaluri K&H Personalized Medicine Clinic
Classification: Likely pathogenic for Maturity-onset diabetes of the young. Review status: criteria provided, single submitter. Criteria: K & H Uppaluri Personalized Medicine Clinic Variant Classification & Assertion Criteria_Updated V.1. Collection method: research. Allele origin: unknown. Inheritance: Autosomal dominant inheritance.
Comment: HNF1B gene mutations are associated with early onset diabetes and pancreatic atrophy. It is also associated with multiple renal manifestations including renal cysts, Tubulointerstitial disease, glomerulocystic disease, renal hypoplasia, hypomagnesemia. However no sufficient evidence is found to ascertain the role of this particular variant rs1598809697, yet.

Literature cited by the submitters: PubMed 24897035 (cited by Clinical Genomics, Uppaluri K&H Personalized Medicine Clinic); PubMed 25536396 (cited by Clinical Genomics, Uppaluri K&H Personalized Medicine Clinic); PubMed 27615128 (cited by Clinical Genomics, Uppaluri K&H Personalized Medicine Clinic); PubMed 28215227 (cited by Clinical Genomics, Uppaluri K&H Personalized Medicine Clinic); PubMed 33434175 (cited by Clinical Genomics, Uppaluri K&H Personalized Medicine Clinic); PubMed 25741167 (cited by Clinical Genomics, Uppaluri K&H Personalized Medicine Clinic); PubMed 26340261 (cited by Clinical Genomics, Uppaluri K&H Personalized Medicine Clinic); PubMed 19639018 (cited by Clinical Genomics, Uppaluri K&H Personalized Medicine Clinic).

NM_000458.4(HNF1B):c.1258dup (p.His420fs)

Gene: HNF1B (HNF1 homeobox B; minus strand). Cytogenetic location: 17q12.
Variant type: Duplication.
Coding change: c.1258dup on transcript NM_000458.4 (MANE Select); coding-DNA position 1258, one base duplicated (C; older notation c.1258dupC).
Protein change: p.His420fs; shifts the reading frame from histidine 420.
Molecular consequence: frameshift variant.
Genome position (GRCh38, 1-based): chr17:37,704,998, G duplicated on the plus strand (C on the coding strand, the reverse complement: HNF1B is on the minus strand); the first of 2 consecutive G bases (chr17:37,704,998-37,704,999); duplicating either gives the same sequence. VCF-style (leftmost placement, unchanged base first): chr17-37704997-T-TG. GRCh37 (hg19) VCF-style: chr17-36065004-T-TG.
Other names: NM_000458.4(HNF1B):c.1258dup; p.His420fs; c.1180dup, p.His394fs (NM_001165923.4, NM_001304286.2); short protein forms H394fs, H420fs.
Identifiers: ClinVar variation 813922 (VCV000813922.5), dbSNP rs1598809697, ClinGen allele CA658795131.